The following is an entry in ClinVar:

NM_001098.3(ACO2):c.1980C>T (p.Ile660=)

Genes: ACO2 (aconitase 2; plus strand), POLR3H (RNA polymerase III subunit H; minus strand). Cytogenetic location: 22q13.2.
Variant type: single nucleotide variant.
Coding change: c.1980C>T on transcript NM_001098.3 (MANE Select); coding-DNA position 1980, C replaced by T.
Protein change: p.Ile660=; no amino-acid change (isoleucine 660 retained).
Molecular consequence: synonymous variant. On other transcripts: 3 prime UTR variant (5).
Genome position (GRCh38, 1-based): chr22:41,527,314, C>T. VCF-style: chr22-41527314-C-T. GRCh37 (hg19) VCF-style: chr22-41923318-C-T.
Other names: p.I660I:ATC>ATT; p.Ile660=; c.*1969G>A (NM_001018050.4, NM_001018052.4, NM_001282884.2 and 2 more transcripts).
Identifiers: ClinVar variation 136266 (VCV000136266.14), dbSNP rs9623413, ClinGen allele CA289264.
Genomic context (GRCh38, chr22:41,527,314, plus strand): 5'-CTGCCTTATAACCTTACCCCCGCTTGCCTGACAGAAACATGGCATCAGGTGGGTGGTGAT[C>T]GGAGACGAGAACTACGGCGAGGGCTCGAGCCGGGAGCATGCAGCTCTGGAGCCTCGCCAC-3'
Protein context (NP_001089.1, residues 650-670): YKKHGIRWVV[Ile660=]GDENYGEGSS

ClinVar aggregate classification (germline): Benign. Review status: criteria provided, multiple submitters, no conflicts (2 of 4 stars). 4 submissions from 4 submitters: Benign (4). Last evaluated 2026-01-18.

Allele frequency attached by ClinVar (database versions not stated): 1000 Genomes Project 30x 0.00453; 1000 Genomes Project 0.00479; gnomAD 0.00517 and 0.00558; ESP Exome Variant Server 0.00561; TOPMed 0.00578.
gnomAD v4.1: 1,416 of 1,614,118 alleles (0.088%); highest among the groups gnomAD compares: African/African-American, 1.6%; 8 homozygotes.

Submissions (4):

Labcorp Genetics (formerly Invitae), Labcorp
Classification: Benign. Last evaluated: 2026-01-18. Review status: criteria provided, single submitter. Criteria: Invitae Variant Classification Sherloc (09022015). Collection method: clinical testing. Allele origin: germline.

Mayo Clinic Laboratories, Mayo Clinic
Classification: Benign. Last evaluated: 2024-02-20. Review status: criteria provided, single submitter. Criteria: ACMG Guidelines, 2015. Collection method: clinical testing. Allele origin: germline. Observed: 9 variant alleles.
Comment: BS1, BS2, BP4, BP7

GeneDx
Classification: Benign. Last evaluated: 2014-01-18. Review status: criteria provided, single submitter. Criteria: GeneDx Variant Classification (06012015). Collection method: clinical testing. Allele origin: germline. Affected: yes.
Comment: This variant is considered likely benign or benign based on one or more of the following criteria: it is a conservative change, it occurs at a poorly conserved position in the protein, it is predicted to be benign by multiple in silico algorithms, and/or has population frequency not consistent with disease.

Breakthrough Genomics
Classification: Benign. Review status: criteria provided, single submitter. Criteria: ACMG Guidelines, 2015. Collection method: not provided. Allele origin: germline. Inheritance: Autosomal recessive inheritance. Affected: yes.